The following is an entry in ClinVar:

ClinVar aggregate classification (germline): Uncertain significance. Review status: criteria provided, multiple submitters, no conflicts (2 of 4 stars). 2 submissions from 2 submitters: Uncertain significance (2). Last evaluated 2022-02-05.

Conditions:
Spondylometaphyseal dysplasia - Sutcliffe type. Also called: Spondylometaphyseal dysplasia, 'corner fracture' type; Spondylometaphyseal Dysplasia, Corner Fracture Type; Sutcliffe type of spondylometaphyseal dysplasia; Sutcliffe SMD. Identifiers: Orphanet 93315, MedGen C0432221, MONDO:0008479, OMIM 184255.

Allele frequency attached by ClinVar (database versions not stated): gnomAD exomes below 0.00001; gnomAD 0.00003; TOPMed 0.00005.
gnomAD v4.1: 6 of 1,614,086 alleles (0.00037%); highest among the groups gnomAD compares: African/African-American, 0.0067%; no homozygotes.

Submissions (2):

Labcorp Genetics (formerly Invitae), Labcorp
Classification: Uncertain significance. Last evaluated: 2022-02-05. Review status: criteria provided, single submitter. Criteria: Invitae Variant Classification Sherloc (09022015). Collection method: clinical testing. Allele origin: germline.
Comment: This sequence change replaces proline, which is neutral and non-polar, with leucine, which is neutral and non-polar, at codon 1746 of the FN1 protein (p.Pro1746Leu). This variant is not present in population databases (gnomAD no frequency). This variant has not been reported in the literature in individuals affected with FN1-related conditions. ClinVar contains an entry for this variant (Variation ID: 1334093). Algorithms developed to predict the effect of missense changes on protein structure and function are either unavailable or do not agree on the potential impact of this missense change (SIFT: "Not Available"; PolyPhen-2: "Probably Damaging"; Align-GVGD: "Not Available"). In summary, the available evidence is currently insufficient to determine the role of this variant in disease. Therefore, it has been classified as a Variant of Uncertain Significance.

CENTOGENE GmbH and LLC - Guiding Precision Medicine
Classification: Uncertain significance for Spondylometaphyseal dysplasia - Sutcliffe type. Last evaluated: 2019-05-25. Review status: criteria provided, single submitter. Criteria: ACMG Guidelines, 2015. Collection method: clinical testing. Allele origin: germline. Affected: yes.

NM_212482.4(FN1):c.5237C>T (p.Pro1746Leu)

Gene: FN1 (fibronectin 1; minus strand). Cytogenetic location: 2q35.
Variant type: single nucleotide variant.
Coding change: c.5237C>T on transcript NM_212482.4 (MANE Select); coding-DNA position 5237, C replaced by T.
Protein change: p.Pro1746Leu; replaces proline 1746 with leucine.
Molecular consequence: missense variant. On other transcripts: intron variant (10).
Genome position (GRCh38, 1-based): chr2:215,381,008, G>A on the plus strand (C>T on the coding strand, the complement: FN1 is on the minus strand). VCF-style: chr2-215381008-G-A. GRCh37 (hg19) VCF-style: chr2-216245731-G-A.
Other names: c.5237C>T, p.Pro1746Leu (NM_001306129.2); c.4964C>T, p.Pro1655Leu (NM_001365518.2, NM_001365520.2, NM_001365524.2 and 2 more transcripts); c.5164+1204C>T (NM_001365519.2, NM_001365521.2, NM_001365517.2 and 2 more transcripts); c.4891+1204C>T (NM_212474.3, NM_001306132.2, NM_001365523.2 and 2 more transcripts); short protein forms P1655L, P1746L.
Identifiers: ClinVar variation 1334093 (VCV001334093.9), dbSNP rs923283804, ClinGen allele CA64855514.